The following is an entry in ClinVar:

NM_014946.4(SPAST):c.1538C>A (p.Thr513Lys)

Gene: SPAST (spastin; plus strand). Cytogenetic location: 2p22.3.
Variant type: single nucleotide variant.
Coding change: c.1538C>A on transcript NM_014946.4 (MANE Select); coding-DNA position 1538, C replaced by A.
Protein change: p.Thr513Lys; replaces threonine 513 with lysine.
Molecular consequence: missense variant.
Genome position (GRCh38, 1-based): chr2:32,143,337, C>A. VCF-style: chr2-32143337-C-A. GRCh37 (hg19) VCF-style: chr2-32368406-C-A.
Other names: c.1535C>A, p.Thr512Lys (NM_001363823.2); c.1439C>A, p.Thr480Lys (NM_001363875.2); c.1442C>A, p.Thr481Lys (NM_001377959.1, NM_199436.2); short protein forms T481K, T512K, T480K, T513K.
Identifiers: ClinVar variation 2004275 (VCV002004275.4), dbSNP rs2148759367, ClinGen allele CA346503576.

ClinVar aggregate classification (germline): Uncertain significance (1 of 4 stars; one submission).

Conditions:
Hereditary spastic paraplegia 4. Also called: Familial spastic paraplegia autosomal dominant 2; Spastic paraplegia 4, autosomal dominant; Spastic Paraplegia 4. Identifiers: Orphanet 100985, MedGen C1866855, MONDO:0008438, OMIM 182601.

gnomAD v4.1: 1 of 1,544,752 alleles (0.000065%); highest among the groups gnomAD compares: Non-Finnish European, 0.000089%; no homozygotes.

Submission:

Labcorp Genetics (formerly Invitae), Labcorp
Classification: Uncertain significance for Hereditary spastic paraplegia 4. Last evaluated: 2022-06-10. Review status: criteria provided, single submitter. Criteria: Invitae Variant Classification Sherloc (09022015). Collection method: clinical testing. Allele origin: germline.
Comment: This sequence change replaces threonine, which is neutral and polar, with lysine, which is basic and polar, at codon 513 of the SPAST protein (p.Thr513Lys). This variant is not present in population databases (gnomAD no frequency). This variant has not been reported in the literature in individuals affected with SPAST-related conditions. Algorithms developed to predict the effect of missense changes on protein structure and function are either unavailable or do not agree on the potential impact of this missense change (SIFT: "Deleterious"; PolyPhen-2: "Probably Damaging"; Align-GVGD: "Class C15"). In summary, the available evidence is currently insufficient to determine the role of this variant in disease. Therefore, it has been classified as a Variant of Uncertain Significance.